The following is an entry in ClinVar:

NM_144643.4(SCLT1):c.1884A>T (p.Glu628Asp)

Gene: SCLT1 (sodium channel and clathrin linker 1; minus strand). Cytogenetic location: 4q28.2.
Variant type: single nucleotide variant.
Coding change: c.1884A>T on transcript NM_144643.4 (MANE Select); coding-DNA position 1884, A replaced by T.
Protein change: p.Glu628Asp; replaces glutamic acid 628 with aspartic acid.
Molecular consequence: missense variant.
Genome position (GRCh38, 1-based): chr4:128,891,083, T>A on the plus strand (A>T on the coding strand, the complement: SCLT1 is on the minus strand). VCF-style: chr4-128891083-T-A. GRCh37 (hg19) VCF-style: chr4-129812238-T-A.
Other names: short protein forms E628D.
Identifiers: ClinVar variation 1363579 (VCV001363579.6), dbSNP rs752001813, ClinGen allele CA3079488.

ClinVar aggregate classification (germline): Uncertain significance (1 of 4 stars; one submission).

Allele frequency attached by ClinVar (database versions not stated): ExAC 0.00001; TOPMed 0.00001.
gnomAD v4.1: 5 of 1,613,080 alleles (0.00031%); highest among the groups gnomAD compares: Admixed American, 0.0033%; no homozygotes.

Submission:

Labcorp Genetics (formerly Invitae), Labcorp
Classification: Uncertain significance. Last evaluated: 2023-06-13. Review status: criteria provided, single submitter. Criteria: Invitae Variant Classification Sherloc (09022015). Collection method: clinical testing. Allele origin: germline.
Comment: In summary, the available evidence is currently insufficient to determine the role of this variant in disease. Therefore, it has been classified as a Variant of Uncertain Significance. An algorithm developed to predict the effect of missense changes on protein structure and function (PolyPhen-2) suggests that this variant is likely to be disruptive. ClinVar contains an entry for this variant (Variation ID: 1363579). This variant has not been reported in the literature in individuals affected with SCLT1-related conditions. This variant is not present in population databases (gnomAD no frequency). This sequence change replaces glutamic acid, which is acidic and polar, with aspartic acid, which is acidic and polar, at codon 628 of the SCLT1 protein (p.Glu628Asp).